The following is an entry in ClinVar:

ClinVar aggregate classification (germline): Uncertain significance (1 of 4 stars; one submission).

Conditions:
Developmental and epileptic encephalopathy, 82. Also called: EPILEPTIC ENCEPHALOPATHY, EARLY INFANTILE, 82; GLUTAMATE OXALOACETATE TRANSAMINASE, MITOCHONDRIAL, DEFICIENCY OF; GOT2 DEFICIENCY. Identifiers: MedGen C5231473, MONDO:0032880, OMIM 618721.

Allele frequency attached by ClinVar (database versions not stated): gnomAD exomes 0.00001.
gnomAD v4.1: 11 of 1,614,206 alleles (0.00068%); highest among the groups gnomAD compares: Non-Finnish European, 0.00085%; no homozygotes.

Submission:

MGZ Medical Genetics Center
Classification: Uncertain significance for Developmental and epileptic encephalopathy, 82. Last evaluated: 2022-06-20. Review status: criteria provided, single submitter. Criteria: ACMG Guidelines, 2015. Collection method: clinical testing. Allele origin: germline. Affected: yes. Observed: 1 variant allele.
Comment: ACMG criteria applied: PM2_SUP, PP3

NM_002080.4(GOT2):c.722T>G (p.Phe241Cys)

Gene: GOT2 (glutamic-oxaloacetic transaminase 2; minus strand). Cytogenetic location: 16q21.
Variant type: single nucleotide variant.
Coding change: c.722T>G on transcript NM_002080.4 (MANE Select); coding-DNA position 722, T replaced by G.
Protein change: p.Phe241Cys; replaces phenylalanine 241 with cysteine.
Molecular consequence: missense variant.
Genome position (GRCh38, 1-based): chr16:58,716,794, A>C on the plus strand (T>G on the coding strand, the complement: GOT2 is on the minus strand). VCF-style: chr16-58716794-A-C. GRCh37 (hg19) VCF-style: chr16-58750698-A-C.
Other names: c.593T>G, p.Phe198Cys (NM_001286220.2); short protein forms F198C, F241C.
Identifiers: ClinVar variation 1709516 (VCV001709516.2), dbSNP rs2506835910, ClinGen allele CA396165900.